The following is an entry in ClinVar:

NM_014727.3(KMT2B):c.5CGG[6] (p.Ala5_Gly6insAlaAla)

Gene: KMT2B (lysine methyltransferase 2B; plus strand). Cytogenetic location: 19q13.12.
Variant type: Microsatellite.
Coding change: c.5CGG[6] on transcript NM_014727.3 (MANE Select); six copies in a row of the 3-base unit CGG starting at c.5; the reference has four copies in a row; two copies, 6 bases duplicated.
Protein change: p.Ala5_Gly6insAlaAla.
Molecular consequence: inframe insertion, initiator codon variant.
Genome position (GRCh38, 1-based): chr19:35,718,029-35,718,034, CGGCGG duplicated; duplicating any 6 consecutive bases within chr19:35,718,021-35,718,034 gives the same sequence; the position shown is the placement nearest the transcript's 3' end. VCF-style (leftmost placement, unchanged base first): chr19-35718020-T-TGGCGGC. GRCh37 (hg19) VCF-style: chr19-36208922-T-TGGCGGC.
Other names: c.11_16dup6 (NM_014727.2).
Identifiers: ClinVar variation 3903277 (VCV003903277.3).

ClinVar aggregate classification (germline): Uncertain significance. Review status: criteria provided, multiple submitters, no conflicts (2 of 4 stars). 3 submissions from 3 submitters: Uncertain significance (3). Last evaluated 2026-08-21.

Conditions:
KMT2B-related disorder. Also called: KMT2B-related condition; KMT2B-related disorders. Identifiers: MedGen CN381338.

Submissions (3):

PreventionGenetics, part of Exact Sciences
Classification: Uncertain significance for KMT2B-related condition. Last evaluated: 2026-08-21. Review status: criteria provided, single submitter. Criteria: ACMG Guidelines, 2015. Collection method: clinical testing. Allele origin: germline.
Comment: The KMT2B c.11_16dup6 variant is predicted to result in an in-frame duplication (p.Ala4_Ala5dup). This variant was reported in a patient with autism (suppl. Table 1, Zhou et al. 2022. PubMed ID: 35982159). This variant has not been reported in a large population database (gnomAD), indicating this variant is rare. At this time, the clinical significance of this variant is uncertain due to the absence of conclusive functional and genetic evidence.

Labcorp Genetics (formerly Invitae), Labcorp
Classification: Uncertain significance. Last evaluated: 2025-07-21. Review status: criteria provided, single submitter. Criteria: Invitae Variant Classification Sherloc (09022015). Collection method: clinical testing. Allele origin: germline.
Comment: This variant, c.11_16dup, results in the insertion of 2 amino acid(s) of the KMT2B protein (p.Ala4_Ala5dup), but otherwise preserves the integrity of the reading frame. The frequency data for this variant in the population databases is considered unreliable, as metrics indicate insufficient coverage at this position in the gnomAD database. This variant has been observed in individual(s) with autism (PMID: 35982159). ClinVar contains an entry for this variant (Variation ID: 3903277). Experimental studies and prediction algorithms are not available or were not evaluated, and the functional significance of this variant is currently unknown. In summary, the available evidence is currently insufficient to determine the role of this variant in disease. Therefore, it has been classified as a Variant of Uncertain Significance.

GeneDx
Classification: Uncertain significance. Last evaluated: 2024-12-10. Review status: criteria provided, single submitter. Criteria: GeneDx Variant Classification Process June 2021. Collection method: clinical testing. Allele origin: germline. Affected: yes.
Comment: Not observed at significant frequency in large population cohorts (gnomAD); In-frame insertion of 2 amino acids in a non-repeat region; Identified as a de novo variant in a patient with autism in published literature; however, additional clinical information was not provided (PMID: 35982159); This variant is associated with the following publications: (PMID: 35982159)

Literature cited by the submitters: PubMed 35982159 (cited by Labcorp Genetics (formerly Invitae), Labcorp).